The following is an entry in ClinVar:

NC_000007.13:g.(?_75692813)_(75692930_?)del

Gene: MDH2 (malate dehydrogenase 2; plus strand). Cytogenetic location: 7q11.23.
Variant type: Deletion.
Identifiers: ClinVar variation 2425444 (VCV002425444.4).

ClinVar aggregate classification (germline): Uncertain significance (1 of 4 stars; one submission).

Submission:

Labcorp Genetics (formerly Invitae), Labcorp
Classification: Uncertain significance. Last evaluated: 2022-05-12. Review status: criteria provided, single submitter. Criteria: Invitae Variant Classification Sherloc (09022015). Collection method: clinical testing. Allele origin: germline.
Comment: This variant has not been reported in the literature in individuals affected with MDH2-related conditions. This variant is a gross deletion of the genomic region encompassing exon(s) 6 of the MDH2 gene. This variant would be expected to be in-frame, preserving the integrity of the reading frame. Experimental studies and prediction algorithms are not available or were not evaluated, and the functional significance of this variant is currently unknown. In summary, the available evidence is currently insufficient to determine the role of this variant in disease. Therefore, it has been classified as a Variant of Uncertain Significance.